The following is an entry in ClinVar:

ClinVar aggregate classification (germline): Benign/Likely benign. Review status: criteria provided, multiple submitters, no conflicts (2 of 4 stars). 15 submissions from 15 submitters: Benign (7); Likely benign (5). 3 of the submissions do not count toward it. Last evaluated 2026-09-01.

Conditions:
Caroli disease. Identifiers: Orphanet 53035, MedGen C0162510, MONDO:0010913, OMIM 600643.
Autosomal recessive polycystic kidney disease (ARPKD). Also called: AR polycystic kidney disease. Identifiers: Orphanet 731, Orphanet 8378, MedGen C0085548, MeSH D017044, MONDO:0009889.
Polycystic kidney disease. Also called: Polycystic kidney dysplasia; Kidney, Polycystic. Identifiers: MedGen C0022680, MeSH D007690, MONDO:0020642, HP:0000113.

Allele frequency attached by ClinVar (database versions not stated): 1000 Genomes Project 0.00419; gnomAD exomes 0.00927; ExAC 0.00933; ESP Exome Variant Server 0.00946; gnomAD 0.01047 and 0.01025; 1000 Genomes Project 30x 0.00515; TOPMed 0.00889.
gnomAD v4.1: 18,635 of 1,597,930 alleles (1.2%); highest among the groups gnomAD compares: Non-Finnish European, 1.4%; 163 homozygotes.

Submissions (15):

CeGaT Center for Human Genetics Tuebingen
Classification: Benign. Last evaluated: 2026-09-01. Review status: criteria provided, single submitter. Criteria: CeGaT Center For Human Genetics Tuebingen Variant Classification Criteria Version 2. Collection method: clinical testing. Allele origin: germline. Affected: yes. Observed: 28 variant alleles.
Comment: PKHD1: BS1, BS2

Labcorp Genetics (formerly Invitae), Labcorp
Classification: Benign for Autosomal recessive polycystic kidney disease. Last evaluated: 2026-02-02. Review status: criteria provided, single submitter. Criteria: Invitae Variant Classification Sherloc (09022015). Collection method: clinical testing. Allele origin: germline.

Blueprint Genetics
Classification: Likely benign. Last evaluated: 2024-11-26. Review status: criteria provided, single submitter. Criteria: ACMG Guidelines, 2015. Collection method: clinical testing. Allele origin: germline.

Laboratory of Molecular Diagnosis of Genetic Disease, Università degli Studi di Napoli Federico II
Classification: Likely benign for Caroli disease. Last evaluated: 2021-05-05. Review status: criteria provided, single submitter. Criteria: ACMG Guidelines, 2015. Collection method: clinical testing. Allele origin: germline. Affected: yes. Observed: 1 variant allele.

Mayo Clinic Laboratories, Mayo Clinic
Classification: Benign. Last evaluated: 2020-12-08. Review status: criteria provided, single submitter. Criteria: ACMG Guidelines, 2015. Collection method: clinical testing. Allele origin: germline. Observed: 12 variant alleles.

GeneDx
Classification: Benign. Last evaluated: 2020-10-15. Review status: criteria provided, single submitter. Criteria: GeneDx Variant Classification Process June 2021. Collection method: clinical testing. Allele origin: germline. Affected: yes.
Comment: This variant is associated with the following publications: (PMID: 12874454, 15108277, 15805161, 15698423, 28492530, 12846734, 16133180, 25701400)

SIB Swiss Institute of Bioinformatics
Classification: Benign for Polycystic kidney disease 4. Last evaluated: 2018-05-31. Review status: criteria provided, single submitter. Criteria: ACMG Guidelines, 2015. Collection method: curation. Allele origin: unknown.
Comment: This variant is interpreted as a Benign, for Polycystic kidney disease 4 with or without polycystic liver disease, in Autosomal Recessive manner. The following ACMG Tag(s) were applied: BS1 => Allele frequency is greater than expected for disorder. BS2 => Observed in a healthy adult individual for a recessive (homozygous), dominant (heterozygous), or X-linked (hemizygous) disorder, with full penetrance expected at an early age.

Illumina Laboratory Services, Illumina
Classification: Likely benign for Polycystic kidney disease 4. Last evaluated: 2017-04-27. Review status: criteria provided, single submitter. Criteria: ICSL Variant Classification Criteria 13 December 2019. Collection method: clinical testing. Allele origin: germline.
Comment: This variant was observed as part of a predisposition screen in an ostensibly healthy population. A literature search was performed for the gene, cDNA change, and amino acid change (where applicable). Publications were found based on this search. The evidence from the literature, in combination with allele frequency data from public databases where available, was sufficient to determine this variant is unlikely to cause disease. Therefore, this variant is classified as likely benign.

Women's Health and Genetics/Laboratory Corporation of America, LabCorp
Classification: Likely benign. Last evaluated: 2016-01-22. Review status: criteria provided, single submitter. Criteria: LabCorp Variant Classification Summary - May 2015. Collection method: clinical testing. Allele origin: germline.
Comment: Variant summary: c.8606C>A affects a conserved nucleotide, resulting in amino acid change from Thr to Lys. 3/4 in-silico tools predict this variant to be damaging, however, these in silico predictions have not been validated by any in vitro/vivo functional studies yet. This variant was found in 1133/121106 control chromosomes at a frequency of 0.0093554, predominantly observed in non-Finnish European subpopulation in ExAC with MAF of 0.01445 (962/66572 chr) with total 14 homozygotes. This frequency exceeds the maximal expected frequency of a pathogenic allele (0.0070711), suggesting this variant is a benign polymorphism in non-Finnish Europeans. Two clinical laboratories via ClinVar classified this variant as benign/likely benign. Autosomal Recessive Polycystic Kidney Disease database and multiple literature publications list this variant as polymorphism. Considering all, this variant was classified as Likely Benign until more information becomes available.

Eurofins Ntd Llc (ga)
Classification: Benign. Last evaluated: 2013-07-15. Review status: criteria provided, single submitter. Criteria: EGL Classification Definitions 2015. Collection method: clinical testing. Allele origin: germline. Observed: 2 variant alleles, 2 heterozygotes.

Breakthrough Genomics
Classification: Likely benign. Review status: criteria provided, single submitter. Criteria: ACMG Guidelines, 2015. Collection method: not provided. Allele origin: germline. Inheritance: Autosomal recessive inheritance. Affected: yes.

PreventionGenetics, part of Exact Sciences
Classification: Benign. Review status: criteria provided, single submitter. Criteria: ACMG Guidelines, 2015. Collection method: clinical testing. Allele origin: germline.

Natera, Inc.
Classification: Benign for Autosomal recessive polycystic kidney disease. Last evaluated: 2017-05-11. Review status: no assertion criteria provided. Collection method: clinical testing. Allele origin: germline. Not counted in ClinVar's aggregate classification.

Counsyl
Classification: Likely benign for Polycystic kidney disease, infantile type. Last evaluated: 2014-03-27. Review status: no assertion criteria provided. Collection method: literature only. Allele origin: unknown. Inheritance: Autosomal recessive inheritance. Not counted in ClinVar's aggregate classification.

Department of Pathology and Laboratory Medicine, Sinai Health System
Classification: Likely benign for Polycystic Kidney disease. Review status: no assertion criteria provided. Collection method: clinical testing. Allele origin: unknown. Affected: yes. Study: The Canadian Open Genetics Repository (COGR). Not counted in ClinVar's aggregate classification.
Comment: The PKHD1 p.Thr2869Lys variant was identified in 5 of 122 proband chromosomes (frequency: 0.041) from Spanish, American and British individuals or families with ARPKD/congenital hepatic fibrosis/Caroliâ€šÃ„Ã´s disease, and was present in 5 of 420 control chromosomes (frequency: 0.012) from healthy individuals (Rosetti 2003, Furu 2004, Sharp 2005). Kindreds in which the variant was identified also carried multiple other variants, with at least one being pathogenic (Rosetti 2003). The variant was also identified in dbSNP (ID: rs142522748) â€šÃ„ÃºWith likely benign alleleâ€šÃ„Ã¹, Clinvitae database (classifications benign/likely benign), the ClinVar database (classification benign by Emory Genetics Laboratory, and likely benign by Counsyl), RWTH AAachen University ARPKD database (classified as a polymorphism) and PKHD1-LOVD (not classified); in the 1000 Genomes Project in 21 of 5000 chromosomes (frequency: 0.0042), HAPMAP populations EUR in 9 of 1006 chromosomes (frequency: 0.0089) and AMR in 12 of 694 chromosomes (frequency: 0.0173), NHLBI GO Exome Sequencing Project in 115 of 8600 European American alleles (frequency: 0.0134) and in 8 of 4406 African American alleles (frequency: 0.0018), and in the Exome Aggregation Consortium database (March 14, 2016) in 976 of 66572 chromosomes (frequency: 0.0145) from a population of European (Non-Finnish) individuals, and none in the East Asian, Other, African, Latino, South Asian, or European (Finnish) populations. The p.Thr2869 residue is not conserved in mammals and computational analyses (PolyPhen-2, SIFT, AlignGVGD, BLOSUM, MutationTaster) do not suggest a high likelihood of impact to the protein; this information is not very predictive of pathogenicity. In summary, based on the above information, this variant meets our laboratory criteria to be classified as likely benign.

Literature cited by the submitters: PubMed 12846734 (cited by 3 submitters); PubMed 16133180 (cited by 3 submitters); PubMed 28492530 (cited by Laboratory of Molecular Diagnosis of Genetic Disease, Università degli Studi di Napoli Federico II); PubMed 15698423 (cited by Illumina Laboratory Services, Illumina and Counsyl); PubMed 12874454 (cited by 3 submitters); PubMed 25701400 (cited by Women's Health and Genetics/Laboratory Corporation of America, LabCorp); PubMed 15108281 (cited by Counsyl); PubMed 15805161 (cited by Counsyl); PubMed 15108277 (cited by Counsyl).

NM_138694.4(PKHD1):c.8606C>A (p.Thr2869Lys)

Gene: PKHD1 (PKHD1 ciliary IPT domain containing fibrocystin/polyductin; minus strand). Cytogenetic location: 6p12.3.
Variant type: single nucleotide variant.
Coding change: c.8606C>A on transcript NM_138694.4 (MANE Select); coding-DNA position 8606, C replaced by A.
Protein change: p.Thr2869Lys; replaces threonine 2869 with lysine.
Molecular consequence: missense variant.
Genome position (GRCh38, 1-based): chr6:51,772,738, G>T on the plus strand (C>A on the coding strand, the complement: PKHD1 is on the minus strand). VCF-style: chr6-51772738-G-T. GRCh37 (hg19) VCF-style: chr6-51637536-G-T.
Other names: NM_138694.3(PKHD1):c.8606C>A(p.Thr2869Lys); NM_170724.2(PKHD1):c.8606C>A(p.Thr2869Lys); c.8606C>A, p.Thr2869Lys (NM_170724.3); short protein forms T2869K.
Identifiers: ClinVar variation 96436 (VCV000096436.64), dbSNP rs142522748, ClinGen allele CA149533.
Genomic context (GRCh38, chr6:51,772,738, plus strand): 5'-CCCTAAGTTACTCTCATTCCTTACCTCTCATTTCCTGAGGCAATATCAGCTCCAAGATGT[G>T]TCCAGGAGTTCTTAGGATAAGCACTGTAAAGATGAACTTTCCCATAAACCCCTGAAAATA-3'
Protein context (NP_619639.3, residues 2859-2879): LYSAYPKNSW[Thr2869Lys]HLGADIASGN